The following is an entry in ClinVar:

ClinVar aggregate classification (germline): Pathogenic/Likely pathogenic. Review status: criteria provided, multiple submitters, no conflicts (2 of 4 stars). 3 submissions from 3 submitters: Pathogenic (2); Likely pathogenic (1). Last evaluated 2025-06-13.

Conditions:
Inborn genetic diseases. Identifiers: MedGen C0950123, MeSH D030342.
Polycystic kidney disease, adult type (PKD1). Also called: Polycystic Kidney Disease 1, Autosomal Dominant; Polycystic kidney disease 1; Polycystic kidney disease 1, severe; POLYCYSTIC KIDNEY DISEASE 1 WITH OR WITHOUT POLYCYSTIC LIVER DISEASE; POLYCYSTIC KIDNEY DISEASE, ADULT, TYPE I; Polycystic Kidney, Autosomal Dominant. Identifiers: MedGen C3149841, MONDO:0008263, OMIM 173900.
PKD1-related disorder. Also called: PKD1-related condition.

Submissions (3):

Ambry Genetics
Classification: Likely pathogenic for Inborn genetic diseases. Last evaluated: 2025-06-13. Review status: criteria provided, single submitter. Criteria: Ambry Variant Classification Scheme 2023. Collection method: clinical testing. Allele origin: germline.
Comment: The c.1385+1G>C intronic variant results from a G to C substitution one nucleotide after coding exon 6 of the PKD1 gene. Alterations that disrupt the canonical splice site are expected to cause aberrant splicing, resulting in an abnormal protein or a transcript that is subject to nonsense-mediated mRNA decay. This variant was not reported in population-based cohorts in the Genome Aggregation Database (gnomAD). This nucleotide position is highly conserved in available vertebrate species. In silico splice site analysis predicts that this alteration will weaken the native splice donor site and may result in the creation or strengthening of a novel splice donor site. Based on the available evidence, this alteration is classified as likely pathogenic.

Blueprint Genetics
Classification: Pathogenic for PKD1-related disorders. Last evaluated: 2023-02-28. Review status: criteria provided, single submitter. Criteria: ACMG Guidelines, 2015. Collection method: clinical testing. Allele origin: germline. Affected: yes. Observed: 5 variant alleles.

Department of Pathology and Laboratory Medicine, Sinai Health System
Classification: Pathogenic for Polycystic kidney disease, adult type. Last evaluated: 2020-01-16. Review status: criteria provided, single submitter. Criteria: ACMG Guidelines, 2015. Collection method: clinical testing. Allele origin: germline. Affected: yes.

NM_001009944.3(PKD1):c.1385+1G>C

Gene: PKD1 (polycystin 1, transient receptor potential channel interacting; minus strand). Cytogenetic location: 16p13.3.
Variant type: single nucleotide variant.
Coding change: c.1385+1G>C on transcript NM_001009944.3 (MANE Select); the canonical splice donor site of the intron after coding-DNA position 1385, G replaced by C.
Molecular consequence: splice donor variant.
Genome position (GRCh38, 1-based): chr16:2,117,488, C>G on the plus strand (G>C on the coding strand, the complement: PKD1 is on the minus strand). VCF-style: chr16-2117488-C-G. GRCh37 (hg19) VCF-style: chr16-2167489-C-G.
Other names: c.1385+1G>C (NM_000296.4, NM_000296.3).
Identifiers: ClinVar variation 3780200 (VCV003780200.3).